The following is an entry in ClinVar:

NM_014055.4(IFT81):c.1006C>G (p.Pro336Ala)

Gene: IFT81 (intraflagellar transport 81; plus strand). Cytogenetic location: 12q24.11.
Variant type: single nucleotide variant.
Coding change: c.1006C>G on transcript NM_014055.4 (MANE Select); coding-DNA position 1006, C replaced by G.
Protein change: p.Pro336Ala; replaces proline 336 with alanine.
Molecular consequence: missense variant. On other transcripts: non-coding transcript variant (4).
Genome position (GRCh38, 1-based): chr12:110,147,013, C>G. VCF-style: chr12-110147013-C-G. GRCh37 (hg19) VCF-style: chr12-110584818-C-G.
Other names: c.1006C>G, p.Pro336Ala (NM_001143779.2, NM_001347946.2, NM_031473.4); c.76C>G, p.Pro26Ala (NM_001347947.2, NM_001347948.2); short protein forms P336A, P26A.
Identifiers: ClinVar variation 943626 (VCV000943626.5), dbSNP rs771779389, ClinGen allele CA6783239.

ClinVar aggregate classification (germline): Uncertain significance (1 of 4 stars; one submission).

Allele frequency attached by ClinVar (database versions not stated): gnomAD exomes below 0.00001; ExAC 0.00001; gnomAD 0.00003 and 0.00004; TOPMed 0.00006.
gnomAD v4.1: 6 of 1,610,106 alleles (0.00037%); highest among the groups gnomAD compares: Admixed American, 0.0067%; no homozygotes.

Submission:

Labcorp Genetics (formerly Invitae), Labcorp
Classification: Uncertain significance. Last evaluated: 2022-09-07. Review status: criteria provided, single submitter. Criteria: Invitae Variant Classification Sherloc (09022015). Collection method: clinical testing. Allele origin: germline.
Comment: This sequence change replaces proline, which is neutral and non-polar, with alanine, which is neutral and non-polar, at codon 336 of the IFT81 protein (p.Pro336Ala). This variant is present in population databases (rs771779389, gnomAD 0.003%). This variant has not been reported in the literature in individuals affected with IFT81-related conditions. ClinVar contains an entry for this variant (Variation ID: 943626). Algorithms developed to predict the effect of missense changes on protein structure and function are either unavailable or do not agree on the potential impact of this missense change (SIFT: "Deleterious"; PolyPhen-2: "Probably Damaging"; Align-GVGD: "Class C0"). In summary, the available evidence is currently insufficient to determine the role of this variant in disease. Therefore, it has been classified as a Variant of Uncertain Significance.